The following is an entry in ClinVar:

NM_006031.6(PCNT):c.9273+1G>A

Gene: PCNT (pericentrin; plus strand). Cytogenetic location: 21q22.3.
Variant type: single nucleotide variant.
Coding change: c.9273+1G>A on transcript NM_006031.6 (MANE Select); the canonical splice donor site of the intron after coding-DNA position 9273, G replaced by A.
Molecular consequence: splice donor variant.
Genome position (GRCh38, 1-based): chr21:46,438,338, G>A. VCF-style: chr21-46438338-G-A. GRCh37 (hg19) VCF-style: chr21-47858251-G-A.
Other names: c.8682+1G>A (NM_001315529.2).
Identifiers: ClinVar variation 3006171 (VCV003006171.3), dbSNP rs758128446, ClinGen allele CA10081245.

ClinVar aggregate classification (germline): Pathogenic (1 of 4 stars; one submission).

Allele frequency attached by ClinVar (database versions not stated): gnomAD 0.00001; TOPMed 0.00001.

Submission:

Labcorp Genetics (formerly Invitae), Labcorp
Classification: Pathogenic. Last evaluated: 2023-10-03. Review status: criteria provided, single submitter. Criteria: Invitae Variant Classification Sherloc (09022015). Collection method: clinical testing. Allele origin: germline.
Comment: This sequence change affects a donor splice site in intron 41 of the PCNT gene. It is expected to disrupt RNA splicing. Variants that disrupt the donor or acceptor splice site typically lead to a loss of protein function (PMID: 16199547), and loss-of-function variants in PCNT are known to be pathogenic (PMID: 18174396, 22821869). This variant is present in population databases (rs758128446, gnomAD 0.006%). Disruption of this splice site has been observed in individual(s) with microcephalic osteodysplastic primordial dwarfism (PMID: 21270239, 34092239). In at least one individual the data is consistent with being in trans (on the opposite chromosome) from a pathogenic variant. Algorithms developed to predict the effect of sequence changes on RNA splicing suggest that this variant may disrupt the consensus splice site. For these reasons, this variant has been classified as Pathogenic.

Literature cited by the submitters: PubMed 16199547; PubMed 18174396; PubMed 22821869; PubMed 21270239; PubMed 34092239.